The following is an entry in ClinVar:

ClinVar aggregate classification (germline): Likely benign. Review status: criteria provided, multiple submitters, no conflicts (2 of 4 stars). 2 submissions from 2 submitters: Likely benign (2). Last evaluated 2025-02-07.

Conditions:
Colorectal cancer, susceptibility to, 12 (CRCS12). Also called: COLORECTAL CANCER, SUSCEPTIBILITY TO, ON CHROMOSOME 12q24. Identifiers: Orphanet 220460, MedGen C3554460, MONDO:0014038, OMIM 615083.

Submissions (2):

Myriad Genetics, Inc.
Classification: Likely benign for Colorectal cancer, susceptibility to, 12. Last evaluated: 2025-02-07. Review status: criteria provided, single submitter. Criteria: Myriad Autosomal Dominant, Autosomal Recessive and X-Linked Classification Criteria (2023). Collection method: clinical testing. Allele origin: unknown.
Comment: This variant is considered likely benign. This variant is intronic and is not expected to impact mRNA splicing.

Labcorp Genetics (formerly Invitae), Labcorp
Classification: Likely benign. Last evaluated: 2021-10-19. Review status: criteria provided, single submitter. Criteria: Invitae Variant Classification Sherloc (09022015). Collection method: clinical testing. Allele origin: germline.

NM_006231.4(POLE):c.802-14T>C

Gene: POLE (DNA polymerase epsilon, catalytic subunit; minus strand). Cytogenetic location: 12q24.33.
Variant type: single nucleotide variant.
Coding change: c.802-14T>C on transcript NM_006231.4 (MANE Select); 14 bases into the intron before coding-DNA position 802, T replaced by C.
Molecular consequence: intron variant.
Genome position (GRCh38, 1-based): chr12:132,676,667, A>G on the plus strand (T>C on the coding strand, the complement: POLE is on the minus strand). VCF-style: chr12-132676667-A-G. GRCh37 (hg19) VCF-style: chr12-133253253-A-G.
Identifiers: ClinVar variation 1560063 (VCV001560063.9), dbSNP rs2136016611, ClinGen allele CA2573148151.